The following is an entry in ClinVar:

NM_003482.4(KMT2D):c.13549C>G (p.Pro4517Ala)

Gene: KMT2D (lysine methyltransferase 2D; minus strand). Cytogenetic location: 12q13.12.
Variant type: single nucleotide variant.
Coding change: c.13549C>G on transcript NM_003482.4 (MANE Select); coding-DNA position 13549, C replaced by G.
Protein change: p.Pro4517Ala; replaces proline 4517 with alanine.
Molecular consequence: missense variant.
Genome position (GRCh38, 1-based): chr12:49,031,015, G>C on the plus strand (C>G on the coding strand, the complement: KMT2D is on the minus strand). VCF-style: chr12-49031015-G-C. GRCh37 (hg19) VCF-style: chr12-49424798-G-C.
Other names: c.13549C>G (NM_003482.3); short protein forms P4517A.
Identifiers: ClinVar variation 1597247 (VCV001597247.11), dbSNP rs745951896, ClinGen allele CA6545978.

ClinVar aggregate classification (germline): Likely benign. Review status: criteria provided, multiple submitters, no conflicts (2 of 4 stars). 3 submissions from 3 submitters: Likely benign (2). 1 of the submissions does not count toward it. Last evaluated 2025-12-16.

Conditions:
KMT2D-related disorder. Also called: KMT2D-Related Disorders.
Kabuki syndrome. Also called: Kabuki make-up syndrome; NIIKAWA-KUROKI SYNDROME. Identifiers: Orphanet 2322, MedGen C0796004, MONDO:0016512.

Allele frequency attached by ClinVar (database versions not stated): ExAC 0.00002; gnomAD exomes 0.00002 and 0.00008; TOPMed 0.00023; gnomAD 0.00025 and 0.00026.
gnomAD v4.1: 68 of 1,613,732 alleles (0.0042%); highest among the groups gnomAD compares: Admixed American, 0.078%; no homozygotes.

Submissions (3):

Labcorp Genetics (formerly Invitae), Labcorp
Classification: Likely benign for Kabuki syndrome. Last evaluated: 2025-12-16. Review status: criteria provided, single submitter. Criteria: Invitae Variant Classification Sherloc (09022015). Collection method: clinical testing. Allele origin: germline.

Blueprint Genetics
Classification: Likely benign. Last evaluated: 2022-07-14. Review status: criteria provided, single submitter. Criteria: ACMG Guidelines, 2015. Collection method: clinical testing. Allele origin: germline.

PreventionGenetics, part of Exact Sciences
Classification: Likely benign for KMT2D-related condition. Last evaluated: 2024-01-09. Review status: no assertion criteria provided. Collection method: clinical testing. Allele origin: germline. Not counted in ClinVar's aggregate classification.
Comment: This variant is classified as likely benign based on ACMG/AMP sequence variant interpretation guidelines (Richards et al. 2015 PMID: 25741868, with internal and published modifications).